The following is an entry in ClinVar:

ClinVar aggregate classification (germline): Uncertain significance. Review status: criteria provided, multiple submitters, no conflicts (2 of 4 stars). 2 submissions from 2 submitters: Uncertain significance (2). Last evaluated 2025-04-11.

Allele frequency attached by ClinVar (database versions not stated): gnomAD exomes 0.00001; TOPMed 0.00002.

Submissions (2):

Ambry Genetics
Classification: Uncertain significance. Last evaluated: 2025-04-11. Review status: criteria provided, single submitter. Criteria: Ambry Variant Classification Scheme 2023. Collection method: clinical testing. Allele origin: germline.

CeGaT Center for Human Genetics Tuebingen
Classification: Uncertain significance. Last evaluated: 2022-08-01. Review status: criteria provided, single submitter. Criteria: CeGaT Center For Human Genetics Tuebingen Variant Classification Criteria Version 2. Collection method: clinical testing. Allele origin: germline. Affected: yes. Observed: 1 variant allele.
Comment: KLF8: PM2, BP4

NM_007250.5(KLF8):c.421C>T (p.Pro141Ser)

Gene: KLF8 (KLF transcription factor 8; plus strand). Cytogenetic location: Xp11.21.
Variant type: single nucleotide variant.
Coding change: c.421C>T on transcript NM_007250.5 (MANE Select); coding-DNA position 421, C replaced by T.
Protein change: p.Pro141Ser; replaces proline 141 with serine.
Molecular consequence: missense variant. On other transcripts: non-coding transcript variant (2).
Genome position (GRCh38, 1-based): chrX:56,265,519, C>T. VCF-style: chrX-56265519-C-T. GRCh37 (hg19) VCF-style: chrX-56291952-C-T.
Other names: c.421C>T, p.Pro141Ser (NM_001324100.1, NM_001324102.1, NM_001159296.2); c.436C>T, p.Pro146Ser (NM_001324104.1); c.412C>T, p.Pro138Ser (NM_001324105.1); c.406C>T, p.Pro136Ser (NM_001324099.1); c.421C>T (NM_007250.4); short protein forms P136S, P138S, P141S, P146S.
Identifiers: ClinVar variation 2660705 (VCV002660705.24), dbSNP rs913427803, ClinGen allele CA330019634.